The following is an entry in ClinVar:

ClinVar aggregate classification (germline): Uncertain significance. Review status: criteria provided, multiple submitters, no conflicts (2 of 4 stars). 5 submissions from 5 submitters: Uncertain significance (5). Last evaluated 2026-07-06.

Conditions:
RYR1-related disorder. Also called: RYR1-related condition; RYR1-related disorders. Identifiers: MedGen CN239331.
Malignant hyperthermia, susceptibility to, 1 (MHS1). Also called: Malignant hyperthermia suceptibility 1; Anesthesia related hyperthermia; Malignant hyperpyrexia; Fulminating hyperpyrexia; Pharmacogenic myopathy; RYR1-Related Malignant Hyperthermia Susceptibility. Identifiers: Orphanet 423, MedGen C2930980, MONDO:0007783, OMIM 145600.
Inborn genetic diseases. Identifiers: MedGen C0950123, MeSH D030342.

Allele frequency attached by ClinVar (database versions not stated): gnomAD 0.00001; TOPMed 0.00001; gnomAD exomes below 0.00001.
gnomAD v4.1: 8 of 1,613,858 alleles (0.0005%); highest among the groups gnomAD compares: East Asian, 0.0022%; no homozygotes.

Submissions (5):

Ambry Genetics
Classification: Uncertain significance for Inborn genetic diseases. Last evaluated: 2026-07-06. Review status: criteria provided, single submitter. Criteria: Ambry Variant Classification Scheme 2023. Collection method: clinical testing. Allele origin: germline.
Comment: The p.I1866V variant (also known as c.5596A>G), located in coding exon 35 of the RYR1 gene, results from an A to G substitution at nucleotide position 5596. The isoleucine at codon 1866 is replaced by valine, an amino acid with highly similar properties. This amino acid position is conserved. In addition, this alteration is predicted to be tolerated by in silico analysis. Based on the available evidence, the clinical significance of this variant remains unclear.

Color Diagnostics, LLC DBA Color Health
Classification: Uncertain significance for Malignant hyperthermia, susceptibility to, 1. Last evaluated: 2025-06-30. Review status: criteria provided, single submitter. Criteria: ACMG Guidelines, 2015. Collection method: clinical testing. Allele origin: germline.
Comment: This missense variant replaces isoleucine with valine at codon 1866 of the RYR1 protein. Computational prediction suggests that this variant may not impact protein structure and function. To our knowledge, functional studies have not been reported for this variant. This variant has not been reported in individuals affected with RYR1-related disorders in the literature. This variant has been identified in 1/248912 chromosomes in the general population by the Genome Aggregation Database (gnomAD). The available evidence is insufficient to determine the role of this variant in disease conclusively. Therefore, this variant is classified as a Variant of Uncertain Significance.

All of Us Research Program, National Institutes of Health
Classification: Uncertain significance for Malignant hyperthermia, susceptibility to, 1. Last evaluated: 2024-01-11. Review status: criteria provided, single submitter. Criteria: ACMG Guidelines, 2015. Collection method: clinical testing. Allele origin: germline. Inheritance: Autosomal dominant inheritance. Observed: 3 variant alleles, 3 heterozygotes.
Comment: This study involves interpretation of variants in research participants for the purpose of population health screening. Participant phenotype was not available at the time of variant classification. Additional details can be found in publication PMID: 35346344, PMCID: PMC8962531

Labcorp Genetics (formerly Invitae), Labcorp
Classification: Uncertain significance for RYR1-related disorder. Last evaluated: 2022-08-17. Review status: criteria provided, single submitter. Criteria: Invitae Variant Classification Sherloc (09022015). Collection method: clinical testing. Allele origin: germline.
Comment: This sequence change replaces isoleucine, which is neutral and non-polar, with valine, which is neutral and non-polar, at codon 1866 of the RYR1 protein (p.Ile1866Val). This variant is present in population databases (no rsID available, gnomAD 0.0009%). This variant has not been reported in the literature in individuals affected with RYR1-related conditions. ClinVar contains an entry for this variant (Variation ID: 859457). Advanced modeling of protein sequence and biophysical properties (such as structural, functional, and spatial information, amino acid conservation, physicochemical variation, residue mobility, and thermodynamic stability) performed at Invitae indicates that this missense variant is not expected to disrupt RYR1 protein function. In summary, the available evidence is currently insufficient to determine the role of this variant in disease. Therefore, it has been classified as a Variant of Uncertain Significance.

GeneDx
Classification: Uncertain significance. Last evaluated: 2021-11-01. Review status: criteria provided, single submitter. Criteria: GeneDx Variant Classification Process June 2021. Collection method: clinical testing. Allele origin: germline. Affected: yes.
Comment: Not observed at significant frequency in large population cohorts (Lek et al., 2016); In silico analysis, which includes protein predictors and evolutionary conservation, supports that this variant does not alter protein structure/function; Has not been previously published as pathogenic or benign to our knowledge

NM_000540.3(RYR1):c.5596A>G (p.Ile1866Val)

Gene: RYR1 (ryanodine receptor 1; plus strand). Cytogenetic location: 19q13.2.
Variant type: single nucleotide variant.
Coding change: c.5596A>G on transcript NM_000540.3 (MANE Select); coding-DNA position 5596, A replaced by G.
Protein change: p.Ile1866Val; replaces isoleucine 1866 with valine.
Molecular consequence: missense variant.
Genome position (GRCh38, 1-based): chr19:38,489,225, A>G. VCF-style: chr19-38489225-A-G. GRCh37 (hg19) VCF-style: chr19-38979865-A-G.
Other names: c.5596A>G, p.Ile1866Val (NM_001042723.2); short protein forms I1866V.
Identifiers: ClinVar variation 859457 (VCV000859457.13), dbSNP rs1184784202, ClinGen allele CA405657763.